The following is an entry in ClinVar:

ClinVar aggregate classification (germline): Uncertain significance (1 of 4 stars; one submission).

gnomAD v4.1: 1 of 1,210,060 alleles (0.000083%); highest among the groups gnomAD compares: Non-Finnish European, 0.00011%; no homozygotes.

Submission:

CeGaT Center for Human Genetics Tuebingen
Classification: Uncertain significance. Last evaluated: 2023-10-01. Review status: criteria provided, single submitter. Criteria: CeGaT Center For Human Genetics Tuebingen Variant Classification Criteria Version 2. Collection method: clinical testing. Allele origin: germline. Affected: yes. Observed: 1 variant allele.
Comment: BCOR: PM2

NM_001123385.2(BCOR):c.5035A>C (p.Ile1679Leu)

Gene: BCOR (BCL6 corepressor; minus strand). Cytogenetic location: Xp11.4.
Variant type: single nucleotide variant.
Coding change: c.5035A>C on transcript NM_001123385.2 (MANE Select); coding-DNA position 5035, A replaced by C.
Protein change: p.Ile1679Leu; replaces isoleucine 1679 with leucine.
Molecular consequence: missense variant.
Genome position (GRCh38, 1-based): chrX:40,052,342, T>G on the plus strand (A>C on the coding strand, the complement: BCOR is on the minus strand). VCF-style: chrX-40052342-T-G. GRCh37 (hg19) VCF-style: chrX-39911595-T-G.
Other names: c.4933A>C, p.Ile1645Leu (NM_001123383.2, NM_017745.6); c.4879A>C, p.Ile1627Leu (NM_001123384.2); short protein forms I1627L, I1645L, I1679L.
Identifiers: ClinVar variation 2660304 (VCV002660304.24), dbSNP rs1205113048, ClinGen allele CA412732845.